The following is an entry in ClinVar:

NM_001165963.4(SCN1A):c.3477C>T (p.Ile1159=)

Genes: SCN1A (sodium voltage-gated channel alpha subunit 1; minus strand), LOC102724058 (uncharacterized LOC102724058; plus strand). Cytogenetic location: 2q24.3.
Variant type: single nucleotide variant.
Coding change: c.3477C>T on transcript NM_001165963.4 (MANE Select); coding-DNA position 3477, C replaced by T.
Protein change: p.Ile1159=; no amino-acid change (isoleucine 1159 retained).
Molecular consequence: synonymous variant. On other transcripts: non-coding transcript variant (2).
Genome position (GRCh38, 1-based): chr2:166,015,680, G>A on the plus strand (C>T on the coding strand, the complement: SCN1A is on the minus strand). VCF-style: chr2-166015680-G-A. GRCh37 (hg19) VCF-style: chr2-166872190-G-A.
Other names: c.3393C>T, p.Ile1131= (NM_001165964.3, NM_001353957.2, NM_001353958.2); c.3477C>T, p.Ile1159= (NM_001202435.3, NM_001353948.2); c.3444C>T, p.Ile1148= (NM_001353949.2, NM_001353950.2, NM_001353951.2 and 2 more transcripts); c.3441C>T, p.Ile1147= (NM_001353954.2, NM_001353955.2); c.3390C>T, p.Ile1130= (NM_001353960.2); c.1035C>T, p.Ile345= (NM_001353961.2).
Identifiers: ClinVar variation 515880 (VCV000515880.5), dbSNP rs761878186, ClinGen allele CA1942947.

ClinVar aggregate classification (germline): Benign/Likely benign. Review status: criteria provided, multiple submitters, no conflicts (2 of 4 stars). 3 submissions from 3 submitters: Benign (1); Likely benign (2). Last evaluated 2023-01-14.

Conditions:
Early-infantile DEE. Also called: Ohtahara syndrome; Early infantile epileptic encephalopathy with suppression bursts; Early infantile epileptic encephalopathy. Identifiers: Orphanet 1934, MedGen C0393706, MONDO:0800491.

Allele frequency attached by ClinVar (database versions not stated): gnomAD 0.00001; TOPMed 0.00001; gnomAD exomes 0.00002; ExAC 0.00003.
gnomAD v4.1: 20 of 1,612,862 alleles (0.0012%); highest among the groups gnomAD compares: African/African-American, 0.0013%; no homozygotes.

Submissions (3):

Labcorp Genetics (formerly Invitae), Labcorp
Classification: Benign for Early-infantile DEE. Last evaluated: 2023-01-14. Review status: criteria provided, single submitter. Criteria: Invitae Variant Classification Sherloc (09022015). Collection method: clinical testing. Allele origin: germline.

Blueprint Genetics
Classification: Likely benign. Last evaluated: 2022-06-08. Review status: criteria provided, single submitter. Criteria: ACMG Guidelines, 2015. Collection method: clinical testing. Allele origin: germline.

GeneDx
Classification: Likely benign. Last evaluated: 2018-03-08. Review status: criteria provided, single submitter. Criteria: GeneDx Variant Classification (06012015). Collection method: clinical testing. Allele origin: germline. Affected: yes.
Comment: This variant is considered likely benign or benign based on one or more of the following criteria: it is a conservative change, it occurs at a poorly conserved position in the protein, it is predicted to be benign by multiple in silico algorithms, and/or has population frequency not consistent with disease.